The following is an entry in ClinVar:

ClinVar aggregate classification (germline): Benign/Likely benign. Review status: criteria provided, multiple submitters, no conflicts (2 of 4 stars). 3 submissions from 3 submitters: Benign (1); Likely benign (2). Last evaluated 2025-08-09.

Conditions:
Exostoses, multiple, type 2 (EXT2). Also called: EXOSTOSES, MULTIPLE, TYPE II; Hereditary Multiple Osteochondromatosis, Type II. Identifiers: Orphanet 321, MedGen C1851413, MONDO:0007586, OMIM 133701.

Allele frequency attached by ClinVar (database versions not stated): gnomAD exomes 0.00003; ESP Exome Variant Server 0.00023; TOPMed 0.00031; gnomAD 0.00035 and 0.00038; 1000 Genomes Project 30x 0.00047; 1000 Genomes Project 0.00060.
gnomAD v4.1: 110 of 1,614,162 alleles (0.0068%); highest among the groups gnomAD compares: African/African-American, 0.11%; 1 homozygote.

Submissions (3):

Labcorp Genetics (formerly Invitae), Labcorp
Classification: Benign for Exostoses, multiple, type 2. Last evaluated: 2025-08-09. Review status: criteria provided, single submitter. Criteria: Invitae Variant Classification Sherloc (09022015). Collection method: clinical testing. Allele origin: germline.

CeGaT Center for Human Genetics Tuebingen
Classification: Likely benign. Last evaluated: 2024-11-01. Review status: criteria provided, single submitter. Criteria: CeGaT Center For Human Genetics Tuebingen Variant Classification Criteria Version 2. Collection method: clinical testing. Allele origin: germline. Affected: yes. Observed: 1 variant allele.
Comment: EXT2: BP4, BP7

Blueprint Genetics
Classification: Likely benign. Last evaluated: 2024-09-30. Review status: criteria provided, single submitter. Criteria: ACMG Guidelines, 2015. Collection method: clinical testing. Allele origin: germline.

NM_207122.2(EXT2):c.150C>T (p.Ile50=)

Gene: EXT2 (exostosin glycosyltransferase 2; plus strand). Cytogenetic location: 11p11.2.
Variant type: single nucleotide variant.
Coding change: c.150C>T on transcript NM_207122.2 (MANE Select); coding-DNA position 150, C replaced by T.
Protein change: p.Ile50=; no amino-acid change (isoleucine 50 retained).
Molecular consequence: synonymous variant.
Genome position (GRCh38, 1-based): chr11:44,107,862, C>T. VCF-style: chr11-44107862-C-T. GRCh37 (hg19) VCF-style: chr11-44129412-C-T.
Other names: c.249C>T, p.Ile83= (NM_000401.3); c.150C>T, p.Ile50= (NM_001178083.3, NM_001389628.1, NM_001389630.1).
Identifiers: ClinVar variation 1599409 (VCV001599409.23), dbSNP rs138982530, ClinGen allele CA5954822.